The following is an entry in ClinVar:

ClinVar aggregate classification (germline): Uncertain significance (1 of 4 stars; one submission).

Conditions:
Charcot-Marie-Tooth disease dominant intermediate B (CMTDIB). Also called: CHARCOT-MARIE-TOOTH NEUROPATHY, DOMINANT INTERMEDIATE B; Charcot-Marie-Tooth disease dominant intermediate 1; CMT DI1; Charcot-Marie-Tooth disease dominant intermediate I. Identifiers: Orphanet 100044, Orphanet 228179, MedGen C1847902, MONDO:0011674, OMIM 606482.

Submission:

Labcorp Genetics (formerly Invitae), Labcorp
Classification: Uncertain significance for Charcot-Marie-Tooth disease, dominant intermediate B. Last evaluated: 2019-05-02. Review status: criteria provided, single submitter. Criteria: Invitae Variant Classification Sherloc (09022015). Collection method: clinical testing. Allele origin: germline.
Comment: This sequence change replaces glycine with arginine at codon 799 of the DNM2 protein (p.Gly799Arg). The glycine residue is moderately conserved and there is a moderate physicochemical difference between glycine and arginine. This variant is not present in population databases (ExAC no frequency). This variant has not been reported in the literature in individuals with DNM2-related conditions. Algorithms developed to predict the effect of missense changes on protein structure and function (SIFT, PolyPhen-2, Align-GVGD) all suggest that this variant is likely to be tolerated, but these predictions have not been confirmed by published functional studies and their clinical significance is uncertain. In summary, the available evidence is currently insufficient to determine the role of this variant in disease. Therefore, it has been classified as a Variant of Uncertain Significance.

NM_001005361.3(DNM2):c.2395G>A (p.Gly799Arg)

Gene: DNM2 (dynamin 2; plus strand). Cytogenetic location: 19p13.2.
Variant type: single nucleotide variant.
Coding change: c.2395G>A on transcript NM_001005361.3 (MANE Select); coding-DNA position 2395, G replaced by A.
Protein change: p.Gly799Arg; replaces glycine 799 with arginine.
Molecular consequence: missense variant.
Genome position (GRCh38, 1-based): chr19:10,830,230, G>A. VCF-style: chr19-10830230-G-A. GRCh37 (hg19) VCF-style: chr19-10940906-G-A.
Other names: c.2395G>A, p.Gly799Arg (NM_001005360.3, NM_001190716.2); c.2383G>A, p.Gly795Arg (NM_001005362.3, NM_004945.4); short protein forms G795R, G799R.
Identifiers: ClinVar variation 950743 (VCV000950743.1), dbSNP rs2073290642, ClinGen allele CA404043878.